The following is an entry in ClinVar:

ClinVar aggregate classification (germline): Uncertain significance (1 of 4 stars; one submission).

Conditions:
Familial thoracic aortic aneurysm and aortic dissection (TAAD). Also called: Thoracic aortic aneurysms and dissections. Identifiers: Orphanet 91387, MedGen C4707243, MONDO:0019625.

Submission:

Labcorp Genetics (formerly Invitae), Labcorp
Classification: Uncertain significance for Familial thoracic aortic aneurysm and aortic dissection. Last evaluated: 2021-11-15. Review status: criteria provided, single submitter. Criteria: Invitae Variant Classification Sherloc (09022015). Collection method: clinical testing. Allele origin: germline.
Comment: In summary, the available evidence is currently insufficient to determine the role of this variant in disease. Therefore, it has been classified as a Variant of Uncertain Significance. Algorithms developed to predict the effect of missense changes on protein structure and function (SIFT, PolyPhen-2, Align-GVGD) all suggest that this variant is likely to be disruptive. This variant has not been reported in the literature in individuals affected with MAT2A-related conditions. This variant is not present in population databases (gnomAD no frequency). This sequence change replaces valine, which is neutral and non-polar, with glycine, which is neutral and non-polar, at codon 106 of the MAT2A protein (p.Val106Gly).

NM_005911.6(MAT2A):c.317T>G (p.Val106Gly)

Genes: GGCX (gamma-glutamyl carboxylase; minus strand), MAT2A (methionine adenosyltransferase 2A; plus strand). Cytogenetic location: 2p11.2.
Variant type: single nucleotide variant.
Coding change: c.317T>G on transcript NM_005911.6 (MANE Select); coding-DNA position 317, T replaced by G.
Protein change: p.Val106Gly; replaces valine 106 with glycine.
Molecular consequence: missense variant.
Genome position (GRCh38, 1-based): chr2:85,541,657, T>G. VCF-style: chr2-85541657-T-G. GRCh37 (hg19) VCF-style: chr2-85768780-T-G.
Other names: short protein forms V106G.
Identifiers: ClinVar variation 1468380 (VCV001468380.6), dbSNP rs2103917082, ClinGen allele CA347476304.